The following is an entry in ClinVar:

ClinVar aggregate classification (germline): Conflicting classifications of pathogenicity. Review status: criteria provided, conflicting classifications (1 of 4 stars). 4 submissions from 4 submitters: Uncertain significance (1); Benign (1); Likely benign (2). Last evaluated 2025-12-08.

Conditions:
Inborn genetic diseases. Identifiers: MedGen C0950123, MeSH D030342.

Allele frequency attached by ClinVar (database versions not stated): gnomAD exomes 0.00013; ExAC 0.00050; 1000 Genomes Project 0.00120; 1000 Genomes Project 30x 0.00141; gnomAD 0.00144; TOPMed 0.00159; ESP Exome Variant Server 0.00231.
gnomAD v4.1: 416 of 1,614,186 alleles (0.026%); highest among the groups gnomAD compares: African/African-American, 0.52%; 4 homozygotes.

Submissions (4):

Labcorp Genetics (formerly Invitae), Labcorp
Classification: Likely benign. Last evaluated: 2025-12-08. Review status: criteria provided, single submitter. Criteria: Invitae Variant Classification Sherloc (09022015). Collection method: clinical testing. Allele origin: germline.

Mayo Clinic Laboratories, Mayo Clinic
Classification: Benign. Last evaluated: 2023-06-14. Review status: criteria provided, single submitter. Criteria: ACMG Guidelines, 2015. Collection method: clinical testing. Allele origin: germline. Observed: 2 variant alleles.
Comment: BA1, BP4

GeneDx
Classification: Uncertain significance. Last evaluated: 2022-06-23. Review status: criteria provided, single submitter. Criteria: GeneDx Variant Classification Process June 2021. Collection method: clinical testing. Allele origin: germline. Affected: yes.
Comment: In silico analysis supports that this missense variant has a deleterious effect on protein structure/function; Has not been previously published as pathogenic or benign to our knowledge

Ambry Genetics
Classification: Likely benign for Inborn genetic diseases. Last evaluated: 2022-02-09. Review status: criteria provided, single submitter. Criteria: Ambry Variant Classification Scheme 2023. Collection method: clinical testing. Allele origin: germline.

NM_015378.4(VPS13D):c.5270A>T (p.Asp1757Val)

Gene: VPS13D (vacuolar protein sorting 13 homolog D; plus strand). Cytogenetic location: 1p36.22.
Variant type: single nucleotide variant.
Coding change: c.5270A>T on transcript NM_015378.4 (MANE Select); coding-DNA position 5270, A replaced by T.
Protein change: p.Asp1757Val; replaces aspartic acid 1757 with valine.
Molecular consequence: missense variant.
Genome position (GRCh38, 1-based): chr1:12,283,372, A>T. VCF-style: chr1-12283372-A-T. GRCh37 (hg19) VCF-style: chr1-12343429-A-T.
Other names: p.Asp1757Val; c.5270A>T, p.Asp1757Val (NM_018156.4); c.5270A>T (NM_015378.2); short protein forms D1757V.
Identifiers: ClinVar variation 1806722 (VCV001806722.8), dbSNP rs141972334, ClinGen allele CA602283.
Genomic context (GRCh38, chr1:12,283,372, plus strand): 5'-AGTTGTATCAAAGGCCCACCTCTGCGTCCCGGAAAAAGCAAAAGGAAGTCCAAGACAAGG[A>T]CTATCCCTTGACCCCACCTCCTTCTCCAACAGTGGATGAGCCCAAGATACTTGTTGGAAA-3'
Protein context (NP_056193.2, residues 1747-1767): RKKQKEVQDK[Asp1757Val]YPLTPPPSPT